The following is an entry in ClinVar:

ClinVar aggregate classification (germline): Uncertain significance (1 of 4 stars; one submission).

Conditions:
Neurodevelopmental disorder with microcephaly, impaired language, and gait abnormalities. Identifiers: MedGen C5436783, MONDO:0100348, OMIM 619091.
Neurodevelopmental disorder with microcephaly, impaired language, epilepsy, and gait abnormalities. Identifiers: MedGen C5436788, MONDO:0030837, OMIM 619092.

Submission:

New York Genome Center
Classification: Uncertain significance for Neurodevelopmental disorder with microcephaly, impaired language, and gait abnormalities; Neurodevelopmental disorder with microcephaly, impaired language, epilepsy, and gait abnormalities. Last evaluated: 2021-05-14. Review status: criteria provided, single submitter. Criteria: NYGC Assertion Criteria 2020. Collection method: clinical testing. Allele origin: germline. Observed: 1 heterozygote. Study: CSER-NYCKidSeq.
Comment: The c.646G>T (p.Ala216Ser) variant identified in the NARS1 gene substitutes a well conserved Alanine for Serine at amino acid 216/549 (exon 8/14).This variant is absent from gnomAD(v3.1.1) suggesting it is not a common benign variant in the populations represented in that database. In silico algorithms predict this variant to be Tolerated (SIFT; score: 0.408) and Benign (REVEL; score:0.418) to the function of the canonical transcript. This variant is absent from ClinVar and to our current knowledge has not been reported in affected individuals in the literature. The p.Ala216 residue is not within a mapped domain of NARS1 (UniProtKB:O43776). Given the lack of compelling evidence for its pathogenicity, the c.646G>T (p.Ala216Ser) variant identified in the NARS1 gene is reported as a Variant of Uncertain Significance.

NM_004539.4(NARS1):c.646G>T (p.Ala216Ser)

Gene: NARS1 (asparaginyl-tRNA synthetase 1; minus strand). Cytogenetic location: 18q21.31.
Variant type: single nucleotide variant.
Coding change: c.646G>T on transcript NM_004539.4 (MANE Select); coding-DNA position 646, G replaced by T.
Protein change: p.Ala216Ser; replaces alanine 216 with serine.
Molecular consequence: missense variant.
Genome position (GRCh38, 1-based): chr18:57,607,599, C>A on the plus strand (G>T on the coding strand, the complement: NARS1 is on the minus strand). VCF-style: chr18-57607599-C-A. GRCh37 (hg19) VCF-style: chr18-55274831-C-A.
Other names: short protein forms A216S.
Identifiers: ClinVar variation 1679654 (VCV001679654.2), dbSNP rs2122431389, ClinGen allele CA402549352.